The following is an entry in ClinVar:

NM_007118.4(TRIO):c.4459A>G (p.Ile1487Val)

Gene: TRIO (trio Rho guanine nucleotide exchange factor; plus strand). Cytogenetic location: 5p15.2.
Variant type: single nucleotide variant.
Coding change: c.4459A>G on transcript NM_007118.4 (MANE Select); coding-DNA position 4459, A replaced by G.
Protein change: p.Ile1487Val; replaces isoleucine 1487 with valine.
Molecular consequence: missense variant. On other transcripts: non-coding transcript variant (1).
Genome position (GRCh38, 1-based): chr5:14,398,915, A>G. VCF-style: chr5-14398915-A-G. GRCh37 (hg19) VCF-style: chr5-14399024-A-G.
Other names: short protein forms I1487V.
Identifiers: ClinVar variation 3364496 (VCV003364496.1).
Genomic context (GRCh38, chr5:14,398,915, plus strand): 5'-TTGCCTCCCTTTTTTCATGTTGTAGGGTTTGATGAAAACATTGAGTCTCAGGGAGAACTC[A>G]TCCTACAGGAATCCTTCCAAGTGTGGGACCCAAAAACCTTAATTCGAAAGGGTCGAGAAC-3'
Protein context (NP_009049.2, residues 1477-1497): DENIESQGEL[Ile1487Val]LQESFQVWDP

ClinVar aggregate classification (germline): Uncertain significance (1 of 4 stars; one submission).

Submission:

GeneDx
Classification: Uncertain significance. Last evaluated: 2023-11-17. Review status: criteria provided, single submitter. Criteria: GeneDx Variant Classification Process June 2021. Collection method: clinical testing. Allele origin: germline. Affected: yes.
Comment: Not observed at significant frequency in large population cohorts (gnomAD); In silico analysis supports that this missense variant does not alter protein structure/function; Has not been previously published as pathogenic or benign to our knowledge